The following is an entry in ClinVar:

ClinVar aggregate classification (germline): Uncertain significance (1 of 4 stars; one submission).

Submission:

Labcorp Genetics (formerly Invitae), Labcorp
Classification: Uncertain significance. Last evaluated: 2024-04-16. Review status: criteria provided, single submitter. Criteria: Invitae Variant Classification Sherloc (09022015). Collection method: clinical testing. Allele origin: germline.
Comment: This sequence change disrupts the translational stop signal of the IRF2BP2 mRNA. It is expected to extend the length of the IRF2BP2 protein by 14 additional amino acid residues. This variant is not present in population databases (gnomAD no frequency). This variant has not been reported in the literature in individuals affected with IRF2BP2-related conditions. ClinVar contains an entry for this variant (Variation ID: 2105182). In summary, the available evidence is currently insufficient to determine the role of this variant in disease. Therefore, it has been classified as a Variant of Uncertain Significance.

NM_182972.3(IRF2BP2):c.1764A>G (p.Ter588Trp)

Gene: IRF2BP2 (interferon regulatory factor 2 binding protein 2; minus strand). Cytogenetic location: 1q42.3.
Variant type: single nucleotide variant.
Coding change: c.1764A>G on transcript NM_182972.3 (MANE Select); coding-DNA position 1764, A replaced by G.
Protein change: p.Ter588Trp.
Molecular consequence: stop lost.
Genome position (GRCh38, 1-based): chr1:234,607,137, T>C on the plus strand (A>G on the coding strand, the complement: IRF2BP2 is on the minus strand). VCF-style: chr1-234607137-T-C. GRCh37 (hg19) VCF-style: chr1-234742883-T-C.
Other names: c.1716A>G, p.Ter572Trp (NM_001077397.1).
Identifiers: ClinVar variation 2105182 (VCV002105182.4), dbSNP rs2528512718, ClinGen allele CA345304682.
Genomic context (GRCh38, chr1:234,607,137, plus strand): 5'-TATACAATTCAAGCAGTTTTAATTAAGGGTAATCATTGGGTTTTTCTGAAACCGGAAAAG[T>C]CACGAGTCTCTCTCTTTTTTCACTTTCACATCTCCAGCAAGGATGGTTGCAATTTCCCCT-3'